The following is an entry in ClinVar:

NM_000642.3(AGL):c.3098G>A (p.Gly1033Asp)

Gene: AGL (amylo-alpha-1,6-glucosidase and 4-alpha-glucanotransferase; plus strand). Cytogenetic location: 1p21.2.
Variant type: single nucleotide variant.
Coding change: c.3098G>A on transcript NM_000642.3 (MANE Select); coding-DNA position 3098, G replaced by A.
Protein change: p.Gly1033Asp; replaces glycine 1033 with aspartic acid.
Molecular consequence: missense variant.
Genome position (GRCh38, 1-based): chr1:99,892,446, G>A. VCF-style: chr1-99892446-G-A. GRCh37 (hg19) VCF-style: chr1-100358002-G-A.
Other names: c.3050G>A, p.Gly1017Asp (NM_000646.3); c.3098G>A, p.Gly1033Asp (NM_001425325.1, NM_000643.3, NM_000644.3 and 1 more transcripts); c.3077G>A, p.Gly1026Asp (NM_001425326.1); c.2897G>A, p.Gly966Asp (NM_001425327.1); c.2894G>A, p.Gly965Asp (NM_001425328.1); c.2759G>A, p.Gly920Asp (NM_001425329.1); c.2720G>A, p.Gly907Asp (NM_001425332.1); short protein forms G1033D, G1017D, G1026D, G907D, G920D, G965D, G966D.
Identifiers: ClinVar variation 1470995 (VCV001470995.4), dbSNP rs1255302658, ClinGen allele CA341326517.

ClinVar aggregate classification (germline): Uncertain significance (1 of 4 stars; one submission).

Conditions:
Glycogen storage disease type III (GSD3). Also called: Cori disease; FORBES DISEASE. Identifiers: Orphanet 366, MedGen C0017922, MONDO:0009291, OMIM 232400.

Allele frequency attached by ClinVar (database versions not stated): gnomAD exomes below 0.00001; TOPMed 0.00001.
gnomAD v4.1: 10 of 1,613,472 alleles (0.00062%); highest among the groups gnomAD compares: Non-Finnish European, 0.00051%; no homozygotes.

Submission:

Labcorp Genetics (formerly Invitae), Labcorp
Classification: Uncertain significance for Glycogen storage disease type III. Last evaluated: 2022-09-01. Review status: criteria provided, single submitter. Criteria: Invitae Variant Classification Sherloc (09022015). Collection method: clinical testing. Allele origin: germline.
Comment: In summary, the available evidence is currently insufficient to determine the role of this variant in disease. Therefore, it has been classified as a Variant of Uncertain Significance. Algorithms developed to predict the effect of missense changes on protein structure and function are either unavailable or do not agree on the potential impact of this missense change (SIFT: "Tolerated"; PolyPhen-2: "Probably Damaging"; Align-GVGD: "Class C0"). ClinVar contains an entry for this variant (Variation ID: 1470995). This variant has not been reported in the literature in individuals affected with AGL-related conditions. This variant is present in population databases (no rsID available, gnomAD 0.0009%). This sequence change replaces glycine, which is neutral and non-polar, with aspartic acid, which is acidic and polar, at codon 1033 of the AGL protein (p.Gly1033Asp).